The following is an entry in ClinVar:

NM_004817.4(TJP2):c.55C>T (p.Leu19Phe)

Gene: TJP2 (tight junction protein 2; plus strand). Cytogenetic location: 9q21.11.
Variant type: single nucleotide variant.
Coding change: c.55C>T on transcript NM_004817.4 (MANE Select); coding-DNA position 55, C replaced by T.
Protein change: p.Leu19Phe; replaces leucine 19 with phenylalanine.
Molecular consequence: missense variant. On other transcripts: intron variant (3).
Genome position (GRCh38, 1-based): chr9:69,174,427, C>T. VCF-style: chr9-69174427-C-T. GRCh37 (hg19) VCF-style: chr9-71789343-C-T.
Other names: c.55C>T, p.Leu19Phe (NM_001369872.1, NM_001369873.1, NM_201629.3); c.-10+22656C>T (NM_001170414.2, NM_001369870.1); c.-127-10660C>T (NM_001369871.1); short protein forms L19F.
Identifiers: ClinVar variation 3031767 (VCV003031767.5), dbSNP rs377762494, ClinGen allele CA5072852.
Genomic context (GRCh38, chr9:69,174,427, plus strand): 5'-TCCGAAATGCCGGTGCGAGGAGACCGCGGGTTTCCACCCCGGCGGGAGCTGTCAGGTTGG[C>T]TCCGCGTAAGTGCCTCCTTGTGCCGCGCGGTTGGGAGGAGGGTCGTGAGCGTGAGCGTGG-3'
Protein context (NP_004808.2, residues 9-29): FPPRRELSGW[Leu19Phe]RAPGMEELIW

ClinVar aggregate classification (germline): Benign/Likely benign. Review status: criteria provided, multiple submitters, no conflicts (2 of 4 stars). 3 submissions from 3 submitters: Benign (1); Likely benign (1). 1 of the submissions does not count toward it. Last evaluated 2024-10-28.

Conditions:
TJP2-related disorder. Also called: TJP2-related condition.

Allele frequency attached by ClinVar (database versions not stated): TOPMed 0.00002; ESP Exome Variant Server 0.00008; gnomAD exomes 0.00026; gnomAD 0.00062.
gnomAD v4.1: 459 of 1,551,270 alleles (0.03%); highest among the groups gnomAD compares: Non-Finnish European, 0.0051%; 2 homozygotes.

Submissions (3):

Blueprint Genetics
Classification: Likely benign. Last evaluated: 2024-10-28. Review status: criteria provided, single submitter. Criteria: ACMG Guidelines, 2015. Collection method: clinical testing. Allele origin: germline.

Labcorp Genetics (formerly Invitae), Labcorp
Classification: Benign. Last evaluated: 2024-09-17. Review status: criteria provided, single submitter. Criteria: Invitae Variant Classification Sherloc (09022015). Collection method: clinical testing. Allele origin: germline.

PreventionGenetics, part of Exact Sciences
Classification: Likely benign for TJP2-related condition. Last evaluated: 2021-03-31. Review status: no assertion criteria provided. Collection method: clinical testing. Allele origin: germline. Not counted in ClinVar's aggregate classification.
Comment: This variant is classified as likely benign based on ACMG/AMP sequence variant interpretation guidelines (Richards et al. 2015 PMID: 25741868, with internal and published modifications).